The following is an entry in ClinVar:

NM_000344.4(SMN1):c.562_564del (p.Ala188del)

Gene: SMN1 (survival of motor neuron 1, telomeric). Cytogenetic location: 5q13.2.
Variant type: Deletion.
Coding change: c.562_564del on transcript NM_000344.4 (MANE Select); coding-DNA positions 562 to 564, 3 bases deleted.
Protein change: p.Ala188del; deletes alanine 188.
Molecular consequence: inframe indel (on NM_000344.3).
Genome position: GRCh38 VCF-style: chr5-70942802-TCTG-T. GRCh37 (hg19) VCF-style: chr5-70238629-TCTG-T.
Other names: c.562_564delGCT, p.Ala188del (NM_000344.3); c.562_564del, p.Ala188del (NM_001297715.1, NM_022874.2); short protein forms A188del.
Identifiers: ClinVar variation 3571980 (VCV003571980.1).

ClinVar aggregate classification (germline): Uncertain significance (1 of 4 stars; one submission).

Submission:

Athena Diagnostics
Classification: Uncertain significance. Last evaluated: 2023-10-06. Review status: criteria provided, single submitter. Criteria: Athena Diagnostics Criteria. Collection method: clinical testing. Allele origin: unknown.
Comment: Available data are insufficient to determine the clinical significance of the variant at this time. Frequency data for this variant in the general population cannot be distinguished from that of the SMN2 gene, and is therefore uninformative in assessment of variant pathogenicity (Genome Aggregation Database (gnomAD), Cambridge, MA (URL)). This variant has been seen where an alternate explanation for disease was also identified, suggesting this variant may not cause disease. Computational tools yielded predictions that this variant is unlikely to have an effect on normal RNA splicing.